The following is an entry in ClinVar:

NM_001395891.1(CLASP1):c.196-594G>A

Genes: CLASP1 (cytoplasmic linker associated protein 1; minus strand), CLASP1-AS1 (CLASP1 antisense RNA 1; plus strand), RNU4ATAC (RNA, U4atac small nuclear; plus strand). Cytogenetic location: 2q14.2.
Variant type: single nucleotide variant.
Coding change: c.196-594G>A on transcript NM_001395891.1 (MANE Select); 594 bases into the intron before coding-DNA position 196, G replaced by A.
Molecular consequence: intron variant.
Genome position (GRCh38, 1-based): chr2:121,530,919, C>T on the plus strand (G>A on the coding strand, the complement: CLASP1 is on the minus strand). VCF-style: chr2-121530919-C-T. GRCh37 (hg19) VCF-style: chr2-122288495-C-T.
Other names: c.196-594G>A (NM_001142274.2, NM_015282.3, NM_001378003.1 and 4 more transcripts).
Identifiers: ClinVar variation 599282 (VCV000599282.55), dbSNP rs139495292, ClinGen allele CA1854694.

ClinVar aggregate classification (germline): Pathogenic/Likely pathogenic. Review status: criteria provided, multiple submitters, no conflicts (2 of 4 stars). 12 submissions from 11 submitters: Pathogenic (5); Likely pathogenic (5). 2 of the submissions do not count toward it. Last evaluated 2026-06-28.

Conditions:
RNU4ATAC-related disorder. Also called: RNU4ATAC-related condition.
Autosomal dominant Robinow syndrome 2. Identifiers: Orphanet 3107, Orphanet 97360, MedGen C4225363, MONDO:0014591, OMIM 616331.
Hydrocephalus, nonsyndromic, autosomal recessive 1 (HYC1). Also called: Congenital hydrocephalus 1; Hydrocephalus, nonsyndromic, autosomal recessive. Identifiers: Orphanet 2185, MedGen C3887608, MONDO:0009360, OMIM 236600.
Autosomal recessive RNU4ATAC-related disorders.
RNU4ATAC spectrum disorder. Also called: RNU4atac-opathy. Identifiers: MedGen CN377746, MONDO:0100558.
Lowry-Wood syndrome (LWS). Identifiers: Orphanet 1824, MedGen C0796021, MONDO:0009191, OMIM 226960.
Roifman syndrome (RFMN). Also called: SPONDYLOEPIPHYSEAL DYSPLASIA, RETINAL DYSTROPHY, AND ANTIBODY DEFICIENCY. Identifiers: Orphanet 353298, MedGen C1846059, MONDO:0014722, OMIM 616651.
Osteodysplastic primordial dwarfism, type 1 (MOPD1). Also called: Microcephalic Osteodysplastic Primordial Dwarfism, Type I; Microcephalic Osteodysplastic Primordial Dwarfism Type I/III (MOPDI) / Taybi-Linder Syndrome; MICROCEPHALIC OSTEODYSPLASTIC PRIMORDIAL DWARFISM, TYPE III; MOPD III; OSTEODYSPLASTIC PRIMORDIAL DWARFISM, TYPE III; MICROCEPHALIC OSTEODYSPLASTIC PRIMORDIAL DWARFISM TYPE I/III. Identifiers: Orphanet 2636, MedGen C1859452, MONDO:0008871, OMIM 210710.

Allele frequency attached by ClinVar (database versions not stated): ExAC 0.00009; TOPMed 0.00010.
gnomAD v4.1: 69 of 699,610 alleles (0.0099%); highest among the groups gnomAD compares: Non-Finnish European, 0.014%; no homozygotes.

Submissions (12):

Allergy and Clinical Immunology Service, Hospital Nacional Edgardo Rebagliati Martins
Classification: Pathogenic for Autosomal dominant Robinow syndrome 2. Last evaluated: 2026-06-28. Review status: criteria provided, single submitter. Criteria: ACMG Guidelines, 2015. Collection method: clinical testing. Allele origin: germline. Inheritance: Autosomal recessive inheritance. Affected: yes. Observed: 1 variant allele, 1 heterozygote.
Comment: Pathogenic non-coding variant in RNU4ATAC, which encodes the U4atac snRNA of the minor (U12-dependent) spliceosome. The variant lies in the 5′ stem-loop region, where n.40C is one of four bases stabilizing this essential loop, and is predicted to disrupt minor-spliceosome function. It has been reported in compound-heterozygous individuals with microcephalic osteodysplastic primordial dwarfism type 1 and is present at low frequency in population databases (gnomAD ~0.009%).

PreventionGenetics, part of Exact Sciences
Classification: Likely pathogenic for RNU4ATAC-related condition. Last evaluated: 2026-06-22. Review status: criteria provided, single submitter. Criteria: ACMG Guidelines, 2015. Collection method: clinical testing. Allele origin: germline.
Comment: The RNU4ATAC n.40C>T is a noncoding alteration. This variant has been reported in the compound heterozygous state in four patients with microcephalic osteodysplastic primordial dwarfism type 1 (MOPD 1), also described as Taybi-Linder syndrome (Krøigård et al. 2016. PubMed ID: 26641461; Putoux et al. 2016. PubMed ID: 27040866). This variant is reported in 0.0089% of alleles in individuals of South Asian descent in gnomAD. This variant is interpreted as likely pathogenic.

Undiagnosed Diseases Network, NIH
Classification: Pathogenic for Lowry-Wood syndrome. Last evaluated: 2026-06-18. Review status: criteria provided, single submitter. Criteria: ACMG Guidelines, 2015. Collection method: clinical testing. Allele origin: unknown. Inheritance: Autosomal recessive inheritance. Affected: yes. Observed: 1 variant allele, 1 compound heterozygote. Study: Undiagnosed Diseases Network, UDN.

Labcorp Genetics (formerly Invitae), Labcorp
Classification: Pathogenic. Last evaluated: 2026-01-26. Review status: criteria provided, single submitter. Criteria: Invitae Variant Classification Sherloc (09022015). Collection method: clinical testing. Allele origin: germline.
Comment: This variant occurs in the RNU4ATAC gene, which encodes an RNA molecule that does not result in a protein product. This variant is present in population databases (rs139495292, gnomAD 0.009%). This variant has been observed in individual(s) with microcephalic osteodysplastic primordial dwarfism (PMID: 26641461, 27040866). In at least one individual the data is consistent with being in trans (on the opposite chromosome) from a pathogenic variant. It has also been observed to segregate with disease in related individuals. ClinVar contains an entry for this variant (Variation ID: 599282). Functional studies have shown that this variant disrupts ncRNA function (PMID: 32628740) For these reasons, this variant has been classified as Pathogenic.

Variantyx, Inc.
Classification: Likely pathogenic for Autosomal recessive RNU4ATAC-related disorders. Last evaluated: 2025-11-13. Review status: criteria provided, single submitter. Criteria: Variantyx Assertion Criteria 2022. Collection method: clinical testing. Allele origin: germline. Inheritance: Autosomal recessive inheritance. Affected: yes.
Comment: This is a variant in the non-protein-coding RNU4ATAC gene (OMIM: 601428). Pathogenic variants in this gene have been associated with autosomal recessive RNU4ATAC-related disorders. This variant has been identified in the homozygous or compound heterozygous state in at least 2 individuals reported in the published literature (PMID: 26641461, 27040866) (PM3_Strong). Functional studies have shown that this variant alters the function of the RNU4ATAC non-coding RNA molecule (PMID: 32628740) (PS3). This variant has a 0.0138% maximum allele frequency in non-founder control populations (PM2). Based on the current evidence, this variant is classified as likely pathogenic for autosomal recessive RNU4ATAC-related disorders.

Genomic Medicine Center of Excellence, King Faisal Specialist Hospital and Research Centre
Classification: Likely pathogenic for Hydrocephalus, nonsyndromic, autosomal recessive 1. Last evaluated: 2025-09-10. Review status: criteria provided, single submitter. Criteria: ACMG Guidelines, 2015. Collection method: clinical testing. Allele origin: germline.

Broad Center for Mendelian Genomics, Broad Institute of MIT and Harvard
Classification: Likely pathogenic for RNU4ATAC spectrum disorder. Last evaluated: 2025-08-21. Review status: criteria provided, single submitter. Criteria: Ellingford et al. (Genome Med. 2022). Collection method: curation. Allele origin: germline. Inheritance: Autosomal recessive inheritance.
Comment: The heterozygous n.40C>T variant in RNU4ATAC was identified by our study, in the compound heterozygous state, in nine individuals with RNU4ATAC spectrum disorder (PMID: 26641461). This variant has been reported in the literature in 2 siblings with RNU4ATAC spectrum disorder (PMID: 27040866), and has been identified in 0.01% (53/384256) of European (non-Finnish) chromosomes by the Genome Aggregation Database (gnomAD; dbSNP rs139495292). Although this variant has been seen in the general population in a heterozygous state, its frequency is not high enough to rule out a pathogenic role. This variant has also been reported in ClinVar (VCV000599282.38) and has been interpreted as pathogenic by Labcorp Genetics and CeGaT Center for Human Genetics Tuebingen. Of the 11 affected individuals, at least one was a compound heterozygote that carried a reported pathogenic variant in trans, which increases the likelihood that the n.40C>T variant is pathogenic (VCV000030184.15). In vitro functional studies provide some evidence that the n.40C>T variant will impact splicing efficiency (PMID: 32628740). However, these types of assays may not accurately represent biological function. The n.40C>T variant is located in the 5' Stem Loop region of RNU4ATAC where several other variants have been identified, suggesting that this variant is in a functional domain and supports pathogenicity (PMID: 26522830, 32628740). In summary, although additional studies are required to fully establish its clinical significance, this variant is likely pathogenic for autosomal recessive RNU4ATAC spectrum disorder. ACMG/AMP Criteria applied: PM3_strong, PM1, PS3_supporting (Richards 2015).

MVZ Medizinische Genetik Mainz
Classification: Likely pathogenic for Osteodysplastic primordial dwarfism, type 1. Last evaluated: 2024-07-10. Review status: criteria provided, single submitter. Criteria: UK Practice Guidelines For Variant Classification V4 01 2020. Collection method: clinical testing. Allele origin: germline. Inheritance: Autosomal recessive inheritance. Affected: yes. Observed: 1 variant allele.
Comment: Compound Heterozygote

Blueprint Genetics
Classification: Pathogenic for RNU4ATAC-related disorders. Last evaluated: 2024-03-19. Review status: criteria provided, single submitter. Criteria: ACMG Guidelines, 2015. Collection method: clinical testing. Allele origin: germline. Affected: yes. Observed: 5 variant alleles.

CeGaT Center for Human Genetics Tuebingen
Classification: Pathogenic. Last evaluated: 2018-01-01. Review status: criteria provided, single submitter. Criteria: CeGaT Center For Human Genetics Tuebingen Variant Classification Criteria Version 2. Collection method: clinical testing. Allele origin: germline. Affected: yes. Observed: 1 variant allele.

Undiagnosed Diseases Network, NIH
Classification: Pathogenic for Roifman syndrome. Last evaluated: 2024-01-05. Review status: no assertion criteria provided. Collection method: clinical testing. Allele origin: maternal. Affected: yes. Observed: 1 variant allele, 1 compound heterozygote. Study: Undiagnosed Diseases Network (NIH), UDN. Not counted in ClinVar's aggregate classification.

Diagnostics Division, CENTRE FOR DNA FINGERPRINTING AND DIAGNOSTICS
Classification: Likely pathogenic for Osteodysplastic primordial dwarfism, type 1. Last evaluated: 2018-01-01. Review status: no assertion criteria provided. Criteria: ACMG Guidelines, 2016. Collection method: research. Allele origin: germline. Affected: yes. Observed: 1 compound heterozygote. Not counted in ClinVar's aggregate classification.
Comment: Missense variant

Literature cited by the submitters: PubMed 32628740 (cited by 4 submitters); PubMed 26641461 (cited by 3 submitters); PubMed 27040866 (cited by Labcorp Genetics (formerly Invitae), Labcorp and Variantyx, Inc.).